The following is an entry in ClinVar:

NM_000032.5(ALAS2):c.1382T>A (p.Leu461His)

Gene: ALAS2 (5'-aminolevulinate synthase 2; minus strand). Cytogenetic location: Xp11.21.
Variant type: single nucleotide variant.
Coding change: c.1382T>A on transcript NM_000032.5 (MANE Select); coding-DNA position 1382, T replaced by A.
Protein change: p.Leu461His; replaces leucine 461 with histidine.
Molecular consequence: missense variant.
Genome position (GRCh38, 1-based): chrX:55,014,802, A>T on the plus strand (T>A on the coding strand, the complement: ALAS2 is on the minus strand). VCF-style: chrX-55014802-A-T. GRCh37 (hg19) VCF-style: chrX-55041235-A-T.
Other names: c.1271T>A, p.Leu424His (NM_001037967.4); c.1343T>A, p.Leu448His (NM_001037968.4); short protein forms L424H, L448H, L461H.
Identifiers: ClinVar variation 978811 (VCV000978811.2), dbSNP rs1935671225, ClinGen allele CA413292551.

ClinVar aggregate classification (germline): Likely pathogenic (1 of 4 stars; one submission).

Conditions:
X-linked sideroblastic anemia 1. Also called: Erythroid 5-aminolevulinate synthase deficiency; X chromosome-linked sideroblastic anemia; X-linked pyridoxine-refractory sideroblastic anemia; Anemia, hereditary sideroblastic 1, pyridoxine refractory; ANEMIA, SIDEROBLASTIC, 1, PYRIDOXINE REFRACTORY; Anemia, sideroblastic, 1. Identifiers: Orphanet 75563, MedGen C4551511, MONDO:0020721, OMIM 300751. Disease mechanism: loss of function.

Submission:

UOS Fisiopatologia delle Anemie, Fondazione IRCCS Ca' Granda Ospedale Maggiore Policlinico Milano
Classification: Likely pathogenic for X-linked sideroblastic anemia 1. Last evaluated: 2020-08-28. Review status: criteria provided, single submitter. Criteria: ACMG Guidelines, 2015. Collection method: clinical testing. Allele origin: germline. Affected: yes. Observed: 2 variant alleles, 2 hemizygotes. Clinical features observed: Sideroblastic anemia (HP:0001924).
Comment: The p.L461H variant in ALAS2 gene has been reported in 2 Italian brothers presenting sideroblastic anemia. The variant meets criteria to be classified as likely pathogenic based upon segregation studies, absence from controls, and phenotypic evidence